The following is an entry in ClinVar:

ClinVar aggregate classification (germline): Uncertain significance. Review status: criteria provided, multiple submitters, no conflicts (2 of 4 stars). 2 submissions from 2 submitters: Uncertain significance (2). Last evaluated 2024-01-11.

Conditions:
Hereditary cancer-predisposing syndrome. Also called: Neoplastic Syndromes, Hereditary; Tumor predisposition; Hereditary Cancer Syndrome; Hereditary neoplastic syndrome. Identifiers: Orphanet 140162, MedGen C0027672, MeSH D009386, MONDO:0015356.
Lynch syndrome. Identifiers: Orphanet 144, MedGen C4552100, MONDO:0005835. Disease mechanism: loss of function.

Submissions (2):

All of Us Research Program, National Institutes of Health
Classification: Uncertain significance for Lynch syndrome. Last evaluated: 2024-01-11. Review status: criteria provided, single submitter. Criteria: ACMG Guidelines, 2015. Collection method: clinical testing. Allele origin: germline. Inheritance: Autosomal dominant inheritance. Observed: 1 variant allele, 1 heterozygote.
Comment: This study involves interpretation of variants in research participants for the purpose of population health screening. Participant phenotype was not available at the time of variant classification. Additional details can be found in publication PMID: 35346344, PMCID: PMC8962531

Ambry Genetics
Classification: Uncertain significance for Hereditary cancer-predisposing syndrome. Last evaluated: 2022-07-25. Review status: criteria provided, single submitter. Criteria: Ambry Variant Classification Scheme 2023. Collection method: clinical testing. Allele origin: germline.
Comment: The p.I967R variant (also known as c.2900T>G), located in coding exon 4 of the MSH6 gene, results from a T to G substitution at nucleotide position 2900. The isoleucine at codon 967 is replaced by arginine, an amino acid with similar properties. This amino acid position is conserved. In addition, this alteration is predicted to be deleterious by in silico analysis. Since supporting evidence is limited at this time, the clinical significance of this alteration remains unclear.

NM_000179.3(MSH6):c.2900T>G (p.Ile967Arg)

Gene: MSH6 (mutS homolog 6; plus strand). Cytogenetic location: 2p16.3.
Variant type: single nucleotide variant.
Coding change: c.2900T>G on transcript NM_000179.3 (MANE Select); coding-DNA position 2900, T replaced by G.
Protein change: p.Ile967Arg; replaces isoleucine 967 with arginine.
Molecular consequence: missense variant.
Genome position (GRCh38, 1-based): chr2:47,800,883, T>G. VCF-style: chr2-47800883-T-G. GRCh37 (hg19) VCF-style: chr2-48028022-T-G.
Other names: c.2510T>G, p.Ile837Arg (NM_001281492.2); c.1994T>G, p.Ile665Arg (NM_001281493.2, NM_001281494.2, NM_001406811.1 and 6 more transcripts); c.2996T>G, p.Ile999Arg (NM_001406795.1, NM_001406802.1); c.2900T>G, p.Ile967Arg (NM_001406796.1, NM_001406798.1, NM_001406800.1 and 2 more transcripts); c.2603T>G, p.Ile868Arg (NM_001406797.1, NM_001406801.1, NM_001406805.1 and 10 more transcripts); c.2375T>G, p.Ile792Arg (NM_001406799.1, NM_001406806.1, NM_001406807.1); c.2822T>G, p.Ile941Arg (NM_001406804.1); c.2906T>G, p.Ile969Arg (NM_001406813.1); and 2 more; short protein forms I911R, I282R, I941R, I969R, I665R, I837R, I792R, I868R.
Identifiers: ClinVar variation 1797453 (VCV001797453.3), dbSNP rs2104429543, ClinGen allele CA346756106.